The following is an entry in ClinVar:

ClinVar aggregate classification (germline): Conflicting classifications of pathogenicity. Review status: criteria provided, conflicting classifications (1 of 4 stars). 10 submissions from 10 submitters: Uncertain significance (6); Likely benign (4). Last evaluated 2026-01-06.

Conditions:
Hereditary nonpolyposis colorectal neoplasms. Identifiers: MedGen C0009405, MeSH D003123.
Hereditary cancer-predisposing syndrome. Also called: Tumor predisposition; Neoplastic Syndromes, Hereditary; Hereditary neoplastic syndrome; Hereditary Cancer Syndrome. Identifiers: Orphanet 140162, MedGen C0027672, MeSH D009386, MONDO:0015356.
Lynch syndrome. Identifiers: Orphanet 144, MedGen C4552100, MONDO:0005835. Disease mechanism: loss of function.

Allele frequency attached by ClinVar (database versions not stated): ExAC 0.00002; gnomAD exomes 0.00002 and 0.00001; TOPMed below 0.00001; gnomAD 0.00001.
gnomAD v4.1: 22 of 1,614,102 alleles (0.0014%); highest among the groups gnomAD compares: South Asian, 0.0022%; no homozygotes.

Submissions (10):

Labcorp Genetics (formerly Invitae), Labcorp
Classification: Uncertain significance for Hereditary nonpolyposis colorectal neoplasms. Last evaluated: 2026-01-06. Review status: criteria provided, single submitter. Criteria: Invitae Variant Classification Sherloc (09022015). Collection method: clinical testing. Allele origin: germline.
Comment: This sequence change replaces serine, which is neutral and polar, with phenylalanine, which is neutral and non-polar, at codon 455 of the PMS2 protein (p.Ser455Phe). This variant is present in population databases (rs748698776, gnomAD 0.004%). This missense change has been observed in individual(s) with endometrial and colorectal cancer (PMID: 23017166, 27443514). ClinVar contains an entry for this variant (Variation ID: 187347). Invitae Evidence Modeling incorporating data from in vitro experimental studies (internal data) indicates that this missense variant is not expected to disrupt PMS2 function with a negative predictive value of 95%. In summary, the available evidence is currently insufficient to determine the role of this variant in disease. Therefore, it has been classified as a Variant of Uncertain Significance.

Color Diagnostics, LLC DBA Color Health
Classification: Likely benign for Hereditary cancer-predisposing syndrome. Last evaluated: 2024-10-17. Review status: criteria provided, single submitter. Criteria: ACMG Guidelines, 2015. Collection method: clinical testing. Allele origin: germline.

Blueprint Genetics
Classification: Likely benign. Last evaluated: 2024-10-11. Review status: criteria provided, single submitter. Criteria: ACMG Guidelines, 2015. Collection method: clinical testing. Allele origin: germline.

GeneDx
Classification: Uncertain significance. Last evaluated: 2024-09-06. Review status: criteria provided, single submitter. Criteria: GeneDx Variant Classification Process June 2021. Collection method: clinical testing. Allele origin: germline. Affected: yes.
Comment: Not observed at significant frequency in large population cohorts (gnomAD); In silico analysis indicates that this missense variant does not alter protein structure/function; Observed in individuals with endometrial and colon cancer (PMID: 27443514, 23017166); This variant is associated with the following publications: (PMID: 23017166, 27443514, 33471991)

All of Us Research Program, National Institutes of Health
Classification: Likely benign for Lynch syndrome. Last evaluated: 2023-10-02. Review status: criteria provided, single submitter. Criteria: ACMG Guidelines, 2015. Collection method: clinical testing. Allele origin: germline. Inheritance: Autosomal dominant inheritance. Observed: 2 variant alleles, 2 heterozygotes.
Comment: This study involves interpretation of variants in research participants for the purpose of population health screening. Participant phenotype was not available at the time of variant classification. Additional details can be found in publication PMID: 35346344, PMCID: PMC8962531

Mayo Clinic Laboratories, Mayo Clinic
Classification: Uncertain significance. Last evaluated: 2023-08-28. Review status: criteria provided, single submitter. Criteria: ACMG Guidelines, 2015. Collection method: clinical testing. Allele origin: germline. Observed: 1 variant allele.
Comment: BP4

Quest Diagnostics Nichols Institute San Juan Capistrano
Classification: Uncertain significance. Last evaluated: 2022-04-28. Review status: criteria provided, single submitter. Criteria: Quest Diagnostics criteria. Collection method: clinical testing. Allele origin: unknown.

Sema4
Classification: Uncertain significance for Hereditary cancer-predisposing syndrome. Last evaluated: 2022-02-25. Review status: criteria provided, single submitter. Criteria: Sema4 Curation Guidelines. Collection method: curation. Allele origin: germline.
Comment: The PMS2 c.1364C>T (p.S455F) variant has been reported in individuals with colorectal cancer and uterine cancer (PMID: 27443514, 23017166). In a large case controls study, the variant was not identified in 60466 breast cancer cases but was observed in 1/53461 controls (PMID: 33471991). It was observed in 4/113766 chromosomes of the Non-Finnish European subpopulation in the large and broad cohorts of the Genome Aggregation Database (PMID: 32461654). The variant has been reported in ClinVar (Variation ID 187347). Functional studies have not been performed, and in silico predictions of the variant's effect on protein function are inconclusive. The evidence is insufficient to meet ACMG/AMP criteria for classifying the variant as benign or pathogenic. Thus, the clinical significance of this variant is currently uncertain.

Ambry Genetics
Classification: Likely benign for Hereditary cancer-predisposing syndrome. Last evaluated: 2018-06-08. Review status: criteria provided, single submitter. Criteria: Ambry Variant Classification Scheme 2023. Collection method: clinical testing. Allele origin: germline.

Laboratory for Molecular Medicine, Mass General Brigham Personalized Medicine
Classification: Uncertain significance. Last evaluated: 2016-10-13. Review status: criteria provided, single submitter. Criteria: LMM Criteria. Collection method: clinical testing. Allele origin: germline.
Comment: Variant identified in a genome or exome case(s) and assessed due to predicted null impact of the variant or pathogenic assertions in the literature or databases. Disclaimer: This variant has not undergone full assessment. The following are preliminary notes: Missense variant in PMS2 (Ser to Phe). Max MAF is 0.003% (high for PMS2 related CRC). Classified in ClinVar as VUS by Invitae and Ambry (2 stars). Variant is not reported in the literature. 24 species have Phe at this site.

Literature cited by the submitters: PubMed 23017166 (cited by 3 submitters); PubMed 27443514 (cited by 3 submitters); PubMed 33471991 (cited by Quest Diagnostics Nichols Institute San Juan Capistrano and Sema4).

NM_000535.7(PMS2):c.1364C>T (p.Ser455Phe)

Gene: PMS2 (PMS1 homolog 2, mismatch repair system component; minus strand). Cytogenetic location: 7p22.1.
Variant type: single nucleotide variant.
Coding change: c.1364C>T on transcript NM_000535.7 (MANE Select); coding-DNA position 1364, C replaced by T.
Protein change: p.Ser455Phe; replaces serine 455 with phenylalanine.
Molecular consequence: missense variant. On other transcripts: non-coding transcript variant (1).
Genome position (GRCh38, 1-based): chr7:5,987,401, G>A on the plus strand (C>T on the coding strand, the complement: PMS2 is on the minus strand). VCF-style: chr7-5987401-G-A. GRCh37 (hg19) VCF-style: chr7-6027032-G-A.
Other names: c.959C>T, p.Ser320Phe (NM_001322003.2, NM_001322004.2, NM_001322005.2 and 1 more transcripts); c.1208C>T, p.Ser403Phe (NM_001322006.2); c.1046C>T, p.Ser349Phe (NM_001322007.2, NM_001322008.2); c.803C>T, p.Ser268Phe (NM_001322010.2); c.431C>T, p.Ser144Phe (NM_001322011.2, NM_001322012.2); c.791C>T, p.Ser264Phe (NM_001322013.2); c.1364C>T, p.Ser455Phe (NM_001322014.2); c.1055C>T, p.Ser352Phe (NM_001322015.2); short protein forms S455F, S264F, S352F, S320F, S349F, S403F, S144F, S268F.
Identifiers: ClinVar variation 187347 (VCV000187347.29), dbSNP rs748698776, ClinGen allele CA009556.